The following is an entry in ClinVar:

ClinVar aggregate classification (germline): Uncertain significance (1 of 4 stars; one submission).

Submission:

Labcorp Genetics (formerly Invitae), Labcorp
Classification: Uncertain significance. Last evaluated: 2025-03-17. Review status: criteria provided, single submitter. Criteria: Invitae Variant Classification Sherloc (09022015). Collection method: clinical testing. Allele origin: germline.
Comment: This sequence change replaces asparagine, which is neutral and polar, with serine, which is neutral and polar, at codon 341 of the LRP2 protein (p.Asn341Ser). This variant is present in population databases (no rsID available, gnomAD 0.007%). This variant has not been reported in the literature in individuals affected with LRP2-related conditions. Invitae Evidence Modeling of protein sequence and biophysical properties (such as structural, functional, and spatial information, amino acid conservation, physicochemical variation, residue mobility, and thermodynamic stability) indicates that this missense variant is not expected to disrupt LRP2 protein function with a negative predictive value of 95%. In summary, the available evidence is currently insufficient to determine the role of this variant in disease. Therefore, it has been classified as a Variant of Uncertain Significance.

NM_004525.3(LRP2):c.1022A>G (p.Asn341Ser)

Gene: LRP2 (LDL receptor related protein 2; minus strand). Cytogenetic location: 2q31.1.
Variant type: single nucleotide variant.
Coding change: c.1022A>G on transcript NM_004525.3 (MANE Select); coding-DNA position 1022, A replaced by G.
Protein change: p.Asn341Ser; replaces asparagine 341 with serine.
Molecular consequence: missense variant.
Genome position (GRCh38, 1-based): chr2:169,289,046, T>C on the plus strand (A>G on the coding strand, the complement: LRP2 is on the minus strand). VCF-style: chr2-169289046-T-C. GRCh37 (hg19) VCF-style: chr2-170145556-T-C.
Other names: short protein forms N341S.
Identifiers: ClinVar variation 3615948 (VCV003615948.2).
Genomic context (GRCh38, chr2:169,289,046, plus strand): 5'-TGTAATGAAAGACAAGTAGCCGCCGCCCCCCATCACTTACCAACACAGGTACGGCTGTCA[T>C]TGTGGTTGATGATATAACCTGGGGGACAAAAACACGCTCCTCCATACGGCGTCTCATGGC-3'
Protein context (NP_004516.2, residues 331-351): FCPPGYIINH[Asn341Ser]DSRTCVEFDD